The following is an entry in ClinVar:

ClinVar aggregate classification (germline): Uncertain significance (1 of 4 stars; one submission).

Conditions:
Aicardi-Goutieres syndrome 4. Identifiers: Orphanet 51, MedGen C1835912, MONDO:0012472, OMIM 610333.

Allele frequency attached by ClinVar (database versions not stated): gnomAD exomes below 0.00001.
gnomAD v4.1: 1 of 1,613,968 alleles (0.000062%); highest among the groups gnomAD compares: Non-Finnish European, 0.000085%; no homozygotes.

Submission:

Labcorp Genetics (formerly Invitae), Labcorp
Classification: Uncertain significance for Aicardi-Goutieres syndrome 4. Last evaluated: 2022-01-17. Review status: criteria provided, single submitter. Criteria: Invitae Variant Classification Sherloc (09022015). Collection method: clinical testing. Allele origin: germline.
Comment: In summary, the available evidence is currently insufficient to determine the role of this variant in disease. Therefore, it has been classified as a Variant of Uncertain Significance. Algorithms developed to predict the effect of missense changes on protein structure and function (SIFT, PolyPhen-2, Align-GVGD) all suggest that this variant is likely to be disruptive. This variant has not been reported in the literature in individuals affected with RNASEH2A-related conditions. This variant is not present in population databases (gnomAD no frequency). This sequence change replaces valine, which is neutral and non-polar, with glycine, which is neutral and non-polar, at codon 234 of the RNASEH2A protein (p.Val234Gly).

NM_006397.3(RNASEH2A):c.701T>G (p.Val234Gly)

Gene: RNASEH2A (ribonuclease H2 subunit A; plus strand). Cytogenetic location: 19p13.13.
Variant type: single nucleotide variant.
Coding change: c.701T>G on transcript NM_006397.3 (MANE Select); coding-DNA position 701, T replaced by G.
Protein change: p.Val234Gly; replaces valine 234 with glycine.
Molecular consequence: missense variant.
Genome position (GRCh38, 1-based): chr19:12,813,146, T>G. VCF-style: chr19-12813146-T-G. GRCh37 (hg19) VCF-style: chr19-12923960-T-G.
Other names: short protein forms V234G.
Identifiers: ClinVar variation 2087299 (VCV002087299.4), dbSNP rs2512479894, ClinGen allele CA404269158.